The following is an entry in ClinVar:

NM_001009944.3(PKD1):c.4725C>T (p.Gly1575=)

Gene: PKD1 (polycystin 1, transient receptor potential channel interacting; minus strand). Cytogenetic location: 16p13.3.
Variant type: single nucleotide variant.
Coding change: c.4725C>T on transcript NM_001009944.3 (MANE Select); coding-DNA position 4725, C replaced by T.
Protein change: p.Gly1575=; no amino-acid change (glycine 1575 retained).
Molecular consequence: synonymous variant.
Genome position (GRCh38, 1-based): chr16:2,110,442, G>A on the plus strand (C>T on the coding strand, the complement: PKD1 is on the minus strand). VCF-style: chr16-2110442-G-A. GRCh37 (hg19) VCF-style: chr16-2160443-G-A.
Other names: c.4725C>T, p.Gly1575= (NM_000296.4).
Identifiers: ClinVar variation 3911133 (VCV003911133.2).
Genomic context (GRCh38, chr16:2,110,442, plus strand): 5'-AGGACCCCCAGGGATGGGCGTGCAGCGGTCACAGAGCACCCAGGAATAGCGCACATCACT[G>A]CCGGCCTCCAGCGACGTGCTGAAGCTCACGCTCCCATTCAGGGGCACCACCGTGCGGCTT-3'
Protein context (NP_001009944.3, residues 1565-1585): SVSFSTSLEA[Gly1575=]SDVRYSWVLC

ClinVar aggregate classification (germline): Likely benign. Review status: criteria provided, multiple submitters, no conflicts (2 of 4 stars). 2 submissions from 2 submitters: Likely benign (2). Last evaluated 2026-03-23.

Conditions:
PKD1-related disorder. Also called: PKD1-related condition.

gnomAD v4.1: 23 of 1,612,494 alleles (0.0014%); highest among the groups gnomAD compares: Non-Finnish European, 0.0019%; no homozygotes.

Submissions (2):

PreventionGenetics, part of Exact Sciences
Classification: Likely benign for PKD1-related condition. Last evaluated: 2026-03-23. Review status: criteria provided, single submitter. Criteria: ACMG Guidelines, 2015. Collection method: clinical testing. Allele origin: germline.
Comment: This variant is classified as likely benign based on ACMG/AMP sequence variant interpretation guidelines (Richards et al. 2015 PMID: 25741868, with internal and published modifications).

Laboratory of Genetics, Children's Clinical University Hospital Latvia
Classification: Likely benign. Last evaluated: 2025-02-16. Review status: criteria provided, single submitter. Criteria: ACMG Guidelines, 2015. Collection method: clinical testing. Allele origin: germline. Affected: yes.